The following is an entry in ClinVar:

NM_018699.4(PRDM5):c.1189-242A>T

Genes: PRDM5 (PR/SET domain 5; minus strand), LOC132089009 (Neanderthal introgressed variant-containing enhancer experimental_72587; plus strand). Cytogenetic location: 4q27.
Variant type: single nucleotide variant.
Coding change: c.1189-242A>T on transcript NM_018699.4 (MANE Select); 242 bases into the intron before coding-DNA position 1189, A replaced by T.
Molecular consequence: intron variant.
Genome position (GRCh38, 1-based): chr4:120,785,333, T>A on the plus strand (A>T on the coding strand, the complement: PRDM5 is on the minus strand). VCF-style: chr4-120785333-T-A. GRCh37 (hg19) VCF-style: chr4-121706488-T-A.
Other names: c.1096-242A>T (NM_001300824.2, NM_001379106.1, NM_001300823.2); c.1222-242A>T (NM_001379104.1).
Identifiers: ClinVar variation 677849 (VCV000677849.1), dbSNP rs80154434, ClinGen allele CA105118059.

ClinVar aggregate classification (germline): Benign (1 of 4 stars; one submission).

Allele frequency attached by ClinVar (database versions not stated): gnomAD 0.08642 and 0.08734; TOPMed 0.10054; 1000 Genomes Project 0.13379; 1000 Genomes Project 30x 0.13616.
gnomAD v4.1: 13,294 of 151,982 alleles (8.7%); highest among the groups gnomAD compares: Middle Eastern, 17%; 874 homozygotes.

Submission:

GeneDx
Classification: Benign. Last evaluated: 2018-06-14. Review status: criteria provided, single submitter. Criteria: GeneDx Variant Classification (06012015). Collection method: clinical testing. Allele origin: germline. Affected: yes.
Comment: This variant is considered likely benign or benign based on one or more of the following criteria: it is a conservative change, it occurs at a poorly conserved position in the protein, it is predicted to be benign by multiple in silico algorithms, and/or has population frequency not consistent with disease.